The following is an entry in ClinVar:

ClinVar aggregate classification (germline): Pathogenic. Review status: criteria provided, single submitter (1 of 4 stars). 2 submissions from 2 submitters: Pathogenic (1). 1 of the submissions does not count toward it.

Conditions:
Epidermolytic palmoplantar keratoderma, 1 (EPPK1). Also called: PALMOPLANTAR KERATODERMA, EPIDERMOLYTIC, WITH KNUCKLE PADS; TYLOSIS. Identifiers: Orphanet 2199, MedGen CN377798, MONDO:0007758, OMIM 144200.

Submissions (2):

Juno Genomics, Hangzhou Juno Genomics, Inc
Classification: Pathogenic for Epidermolytic palmoplantar keratoderma, 1. Review status: criteria provided, single submitter. Criteria: ACMG Guidelines, 2015. Collection method: clinical testing. Allele origin: germline.
Comment: Absent from controls (or at extremely low frequency if recessive) in Genome Aggregation Database.;Multiple lines of computational evidence support a deleterious effect on the gene or gene product.;Novel missense change at an amino acid residue where a different missense change determined to be pathogenic has been seen before.;Co-segregation with disease in multiple affected family members.;Patient's phenotype or family history is highly specific for a disease with a single genetic etiology.

Epithelial Biology;  Institute of Medical Biology, Singapore
No classification provided. Review status: no classification provided. Collection method: not provided. Allele origin: not provided. Not counted in ClinVar's aggregate classification.

NM_000226.4(KRT9):c.470T>A (p.Met157Lys)

Gene: KRT9 (keratin 9; minus strand). Cytogenetic location: 17q21.2.
Variant type: single nucleotide variant.
Coding change: c.470T>A on transcript NM_000226.4 (MANE Select); coding-DNA position 470, T replaced by A.
Protein change: p.Met157Lys; replaces methionine 157 with lysine.
Molecular consequence: missense variant.
Genome position (GRCh38, 1-based): chr17:41,571,523, A>T on the plus strand (T>A on the coding strand, the complement: KRT9 is on the minus strand). VCF-style: chr17-41571523-A-T. GRCh37 (hg19) VCF-style: chr17-39727775-A-T.
Other names: short protein forms M157K.
Identifiers: ClinVar variation 66152 (VCV000066152.3), dbSNP rs59510579, ClinGen allele CA216557.